The following is an entry in ClinVar:

ClinVar aggregate classification (germline): Uncertain significance (1 of 4 stars; one submission).

Conditions:
Charcot-Marie-Tooth disease axonal type 2O. Also called: CHARCOT-MARIE-TOOTH NEUROPATHY, AXONAL, TYPE 2O; CHARCOT-MARIE-TOOTH DISEASE, AXONAL, AUTOSOMAL DOMINANT, TYPE 2O; Charcot-Marie-Tooth Neuropathy Type 2O; Charcot-Marie-Tooth disease, axonal, type 20. Identifiers: Orphanet 284232, MedGen C3280220, MONDO:0013644, OMIM 614228.

Submission:

Labcorp Genetics (formerly Invitae), Labcorp
Classification: Uncertain significance for Charcot-Marie-Tooth disease axonal type 2O. Last evaluated: 2023-07-25. Review status: criteria provided, single submitter. Criteria: Invitae Variant Classification Sherloc (09022015). Collection method: clinical testing. Allele origin: germline.
Comment: This sequence change replaces histidine, which is basic and polar, with arginine, which is basic and polar, at codon 4114 of the DYNC1H1 protein (p.His4114Arg). This variant is not present in population databases (gnomAD no frequency). This variant has not been reported in the literature in individuals affected with DYNC1H1-related conditions. Advanced modeling of protein sequence and biophysical properties (such as structural, functional, and spatial information, amino acid conservation, physicochemical variation, residue mobility, and thermodynamic stability) performed at Invitae indicates that this missense variant is not expected to disrupt DYNC1H1 protein function. In summary, the available evidence is currently insufficient to determine the role of this variant in disease. Therefore, it has been classified as a Variant of Uncertain Significance.

NM_001376.5(DYNC1H1):c.12341A>G (p.His4114Arg)

Gene: DYNC1H1 (dynein cytoplasmic 1 heavy chain 1; plus strand). Cytogenetic location: 14q32.31.
Variant type: single nucleotide variant.
Coding change: c.12341A>G on transcript NM_001376.5 (MANE Select); coding-DNA position 12341, A replaced by G.
Protein change: p.His4114Arg; replaces histidine 4114 with arginine.
Molecular consequence: missense variant.
Genome position (GRCh38, 1-based): chr14:102,042,449, A>G. VCF-style: chr14-102042449-A-G. GRCh37 (hg19) VCF-style: chr14-102508786-A-G.
Other names: short protein forms H4114R.
Identifiers: ClinVar variation 2746467 (VCV002746467.3), dbSNP rs2503859049, ClinGen allele CA391040967.